The following is an entry in ClinVar:

NM_000038.6(APC):c.5833GCA[1] (p.Ala1946del)

Gene: APC (APC regulator of Wnt signaling pathway; plus strand). Cytogenetic location: 5q22.2.
Variant type: Microsatellite.
Coding change: c.5833GCA[1] on transcript NM_000038.6 (MANE Select); one copy of the 3-base unit GCA starting at c.5833; the reference has two copies in a row; one copy, 3 bases deleted.
Protein change: p.Ala1946del; deletes alanine 1946.
Molecular consequence: non-coding transcript variant (on NR_176365.1).
Genome position (GRCh38, 1-based): chr5:112,841,430-112,841,432, GCA deleted; deleting any 3 consecutive bases within chr5:112,841,427-112,841,432 gives the same sequence; the position shown is the placement nearest the transcript's 3' end. VCF-style (leftmost placement, unchanged base first): chr5-112841426-GGCA-G. GRCh37 (hg19) VCF-style: chr5-112177123-GGCA-G.
Other names: c.5833GCA[1], p.Ala1946del (NM_001127510.3, NM_001354895.2, NM_001407450.1); c.5779GCA[1], p.Ala1928del (NM_001127511.3); c.5887GCA[1], p.Ala1964del (NM_001354896.2, NM_001407447.1, NM_001407448.1 and 1 more transcripts); c.5863GCA[1], p.Ala1956del (NM_001354897.2); c.5758GCA[1], p.Ala1921del (NM_001354898.2); c.5749GCA[1], p.Ala1918del (NM_001354899.2); c.5710GCA[1], p.Ala1905del (NM_001354900.2); c.5656GCA[1], p.Ala1887del (NM_001354901.2, NM_001407453.1); and 11 more; short protein forms A1855del, A1887del, A1939del, A1562del, A1663del, A1820del, A1845del, A1863del.
Identifiers: ClinVar variation 3928862 (VCV003928862.1).

ClinVar aggregate classification (germline): Uncertain significance (1 of 4 stars; one submission).

Conditions:
Hereditary cancer-predisposing syndrome. Also called: Hereditary Cancer Syndrome; Hereditary neoplastic syndrome; Neoplastic Syndromes, Hereditary; Tumor predisposition. Identifiers: Orphanet 140162, MedGen C0027672, MeSH D009386, MONDO:0015356.

Submission:

Ambry Genetics
Classification: Uncertain significance for Hereditary cancer-predisposing syndrome. Last evaluated: 2025-05-19. Review status: criteria provided, single submitter. Criteria: Ambry Variant Classification Scheme 2023. Collection method: clinical testing. Allele origin: germline.
Comment: The c.5836_5838delGCA variant (also known as p.A1946del) is located in coding exon 15 of the APC gene. This variant results from an in-frame GCA deletion at nucleotide positions 5836 to 5838. This results in the in-frame deletion of an alanine at codon 1946. This amino acid position is well conserved in available vertebrate species. In addition, this variant is predicted to be neutral by in silico analysis (Choi Y et al. PLoS ONE. 2012; 7(10):e46688). Based on the available evidence, the clinical significance of this variant remains unclear.